The following is an entry in ClinVar:

ClinVar aggregate classification (germline): Likely pathogenic (1 of 4 stars; one submission).

Conditions:
Cerebral cavernous malformation 2. Also called: Familial Cerebral Cavernous Malformation 2. Identifiers: Orphanet 221061, MedGen C1864041, MONDO:0011304, OMIM 603284.

Submission:

3billion
Classification: Likely pathogenic for Cerebral cavernous malformation 2. Last evaluated: 2025-02-27. Review status: criteria provided, single submitter. Criteria: ACMG Guidelines, 2015. Collection method: clinical testing. Allele origin: germline. Affected: yes.
Comment: The variant is not observed in the gnomAD v4.1.0 dataset. Predicted Consequence/Location: Frameshift: predicted to result in a loss or disruption of normal protein function through nonsense-mediated decay (NMD) or protein truncation. Multiple pathogenic variants are reported downstream of the variant. Therefore, this variant is classified as Likely pathogenic according to the recommendation of ACMG/AMP guideline.

NM_031443.4(CCM2):c.586_587del (p.Val196fs)

Gene: CCM2 (CCM2 scaffold protein; plus strand). Cytogenetic location: 7p13.
Variant type: Deletion.
Coding change: c.586_587del on transcript NM_031443.4 (MANE Select); coding-DNA positions 586 to 587, 2 bases deleted (GT; older notation c.586_587delGT).
Protein change: p.Val196fs; shifts the reading frame from valine 196.
Molecular consequence: frameshift variant. On other transcripts: non-coding transcript variant (1), intron variant (1).
Genome position (GRCh38, 1-based): chr7:45,068,556-45,068,557, GT deleted. VCF-style (leftmost placement, unchanged base first): chr7-45068555-GGT-G. GRCh37 (hg19) VCF-style: chr7-45108154-GGT-G.
Other names: c.649_650del, p.Val217fs (NM_001029835.2); c.412_413del, p.Val138fs (NM_001167934.2, NM_001363459.2); c.586_587del, p.Val196fs (NM_001363458.2); c.472+3910_472+3911del (NM_001167935.2); short protein forms V138fs, V196fs, V217fs.
Identifiers: ClinVar variation 4294080 (VCV004294080.1).